The following is an entry in ClinVar:

ClinVar aggregate classification (germline): Uncertain significance. Review status: criteria provided, multiple submitters, no conflicts (2 of 4 stars). 2 submissions from 2 submitters: Uncertain significance (2). Last evaluated 2023-10-23.

Conditions:
Hereditary cancer-predisposing syndrome. Also called: Neoplastic Syndromes, Hereditary; Tumor predisposition; Hereditary neoplastic syndrome; Hereditary Cancer Syndrome. Identifiers: Orphanet 140162, MedGen C0027672, MeSH D009386, MONDO:0015356.

gnomAD v4.1: 1 of 1,614,094 alleles (0.000062%); highest among the groups gnomAD compares: African/African-American, 0.0013%; no homozygotes.

Submissions (2):

Labcorp Genetics (formerly Invitae), Labcorp
Classification: Uncertain significance. Last evaluated: 2023-10-23. Review status: criteria provided, single submitter. Criteria: Invitae Variant Classification Sherloc (09022015). Collection method: clinical testing. Allele origin: germline.
Comment: This sequence change replaces threonine, which is neutral and polar, with proline, which is neutral and non-polar, at codon 196 of the MSH3 protein (p.Thr196Pro). This variant is not present in population databases (gnomAD no frequency). This variant has not been reported in the literature in individuals affected with MSH3-related conditions. ClinVar contains an entry for this variant (Variation ID: 837419). An algorithm developed to predict the effect of missense changes on protein structure and function (PolyPhen-2) suggests that this variant is likely to be tolerated. In summary, the available evidence is currently insufficient to determine the role of this variant in disease. Therefore, it has been classified as a Variant of Uncertain Significance.

Ambry Genetics
Classification: Uncertain significance for Hereditary cancer-predisposing syndrome. Last evaluated: 2020-11-25. Review status: criteria provided, single submitter. Criteria: Ambry Variant Classification Scheme 2023. Collection method: clinical testing. Allele origin: germline.
Comment: The p.T196P variant (also known as c.586A>C), located in coding exon 4 of the MSH3 gene, results from an A to C substitution at nucleotide position 586. The threonine at codon 196 is replaced by proline, an amino acid with highly similar properties. This amino acid position is not well conserved in available vertebrate species. In addition, this alteration is predicted to be tolerated by in silico analysis. Since supporting evidence is limited at this time, the clinical significance of this alteration remains unclear.

NM_002439.5(MSH3):c.586A>C (p.Thr196Pro)

Gene: MSH3 (mutS homolog 3; plus strand). Cytogenetic location: 5q14.1.
Variant type: single nucleotide variant.
Coding change: c.586A>C on transcript NM_002439.5 (MANE Select); coding-DNA position 586, A replaced by C.
Protein change: p.Thr196Pro; replaces threonine 196 with proline.
Molecular consequence: missense variant.
Genome position (GRCh38, 1-based): chr5:80,670,103, A>C. VCF-style: chr5-80670103-A-C. GRCh37 (hg19) VCF-style: chr5-79965922-A-C.
Other names: short protein forms T196P.
Identifiers: ClinVar variation 837419 (VCV000837419.12), dbSNP rs768793171, ClinGen allele CA121292954.